The following is an entry in ClinVar:

NM_000070.3(CAPN3):c.245del (p.Pro82fs)

Gene: CAPN3 (calpain 3; plus strand). Cytogenetic location: 15q15.1.
Variant type: Deletion.
Coding change: c.245del on transcript NM_000070.3 (MANE Select); coding-DNA position 245, one base deleted (C; older notation c.245delC).
Protein change: p.Pro82fs; shifts the reading frame from proline 82.
Molecular consequence: frameshift variant.
Genome position (GRCh38, 1-based): chr15:42,360,050, C deleted; the last of 2 consecutive C bases (chr15:42,360,049-42,360,050); deleting either gives the same sequence. VCF-style (leftmost placement, unchanged base first): chr15-42360048-AC-A. GRCh37 (hg19) VCF-style: chr15-42652246-AC-A.
Other names: c.245del, p.Pro82fs (NM_024344.2, NM_173087.2); short protein forms P82fs.
Identifiers: ClinVar variation 2704165 (VCV002704165.3), dbSNP rs2548225046, ClinGen allele CA2697554356.

ClinVar aggregate classification (germline): Pathogenic (1 of 4 stars; one submission).

Conditions:
Autosomal recessive limb-girdle muscular dystrophy type 2A (LGMDR1). Also called: LEYDEN-MOEBIUS MUSCULAR DYSTROPHY; MUSCULAR DYSTROPHY, PELVOFEMORAL; Muscular dystrophy, limb-girdle, type 2A, Amish; Limb-girdle muscular dystrophy, type 2A; Calpainopathy. Identifiers: Orphanet 267, MedGen C1869123, MONDO:0009675, OMIM 253600. Disease mechanism: loss of function.

Submission:

Labcorp Genetics (formerly Invitae), Labcorp
Classification: Pathogenic for Autosomal recessive limb-girdle muscular dystrophy type 2A. Last evaluated: 2023-12-19. Review status: criteria provided, single submitter. Criteria: Invitae Variant Classification Sherloc (09022015). Collection method: clinical testing. Allele origin: germline.
Comment: This sequence change creates a premature translational stop signal (p.Pro82Argfs*45) in the CAPN3 gene. It is expected to result in an absent or disrupted protein product. Loss-of-function variants in CAPN3 are known to be pathogenic (PMID: 10330340, 15689361). This variant is not present in population databases (gnomAD no frequency). This variant has not been reported in the literature in individuals affected with CAPN3-related conditions. For these reasons, this variant has been classified as Pathogenic.

Literature cited by the submitters: PubMed 10330340; PubMed 15689361.